The following is an entry in ClinVar:

NM_024426.6(WT1):c.1117G>A (p.Val373Met)

Gene: WT1 (WT1 transcription factor; minus strand). Cytogenetic location: 11p13.
Variant type: single nucleotide variant.
Coding change: c.1117G>A on transcript NM_024426.6 (MANE Select); coding-DNA position 1117, G replaced by A.
Protein change: p.Val373Met; replaces valine 373 with methionine.
Molecular consequence: missense variant. On other transcripts: 5 prime UTR variant (1), non-coding transcript variant (1).
Genome position (GRCh38, 1-based): chr11:32,396,404, C>T on the plus strand (G>A on the coding strand, the complement: WT1 is on the minus strand). VCF-style: chr11-32396404-C-T. GRCh37 (hg19) VCF-style: chr11-32417950-C-T.
Other names: c.1066G>A, p.Val356Met (NM_000378.6, NM_001407045.1, NM_001407048.1 and 1 more transcripts); c.466G>A, p.Val156Met (NM_001198551.2); c.415G>A, p.Val139Met (NM_001198552.2); c.-72G>A (NM_001367854.1); c.1111G>A, p.Val371Met (NM_001407044.1); c.1117G>A, p.Val373Met (NM_001407046.1, NM_024424.5); c.994G>A, p.Val332Met (NM_001407047.1); c.943G>A, p.Val315Met (NM_001407050.1); and 2 more; short protein forms V156M, V373M, V139M, V356M, V119M, V315M, V371M, V332M.
Identifiers: ClinVar variation 476678 (VCV000476678.17), dbSNP rs747377024, ClinGen allele CA064243.

ClinVar aggregate classification (germline): Conflicting classifications of pathogenicity. Review status: criteria provided, conflicting classifications (1 of 4 stars). 7 submissions from 7 submitters: Uncertain significance (5); Benign (1); Likely benign (1). Last evaluated 2025-11-17.

Conditions:
11p partial monosomy syndrome (WAGR). Also called: WAGR Spectrum Disorder; WAGR syndrome; CHROMOSOME 11p13 DELETION SYNDROME; WAGR Complex. Identifiers: Orphanet 893, MedGen C0206115, MONDO:0008681, OMIM 194072.
Frasier syndrome. Identifiers: Orphanet 347, MedGen C0950122, MeSH D052159, MONDO:0007635, OMIM 136680.
Drash syndrome (DDS). Also called: NEPHROPATHY, WILMS TUMOR, AND GENITAL ANOMALIES; WILMS TUMOR AND PSEUDO- OR TRUE HERMAPHRODITISM. Identifiers: Orphanet 220, MedGen C0950121, MONDO:0008682, OMIM 194080.
Wilms tumor 1 (WT1). Also called: Wilms tumor, somatic. Identifiers: Orphanet 654, MedGen CN033288, MONDO:0008679, OMIM 194070.
Nephrotic syndrome, type 4 (NPHS4). Also called: Familial mesangial sclerosis; Nephrotic syndrome, early onset with diffuse mesangial sclerosis. Identifiers: Orphanet 656, MedGen C3151568, MONDO:0009733, OMIM 256370.
Inborn genetic diseases. Identifiers: MedGen C0950123, MeSH D030342.

Allele frequency attached by ClinVar (database versions not stated): TOPMed below 0.00001; gnomAD 0.00001; gnomAD exomes 0.00001 and 0.00002; ExAC 0.00003.
gnomAD v4.1: 11 of 1,613,736 alleles (0.00068%); highest among the groups gnomAD compares: Admixed American, 0.0083%; no homozygotes.

Submissions (7):

Labcorp Genetics (formerly Invitae), Labcorp
Classification: Uncertain significance for Wilms tumor 1; Drash syndrome; 11p partial monosomy syndrome; Frasier syndrome. Last evaluated: 2025-11-17. Review status: criteria provided, single submitter. Criteria: Invitae Variant Classification Sherloc (09022015). Collection method: clinical testing. Allele origin: germline.
Comment: This sequence change replaces valine, which is neutral and non-polar, with methionine, which is neutral and non-polar, at codon 368 of the WT1 protein (p.Val368Met). This variant is present in population databases (rs747377024, gnomAD 0.01%). This variant has not been reported in the literature in individuals affected with WT1-related conditions. ClinVar contains an entry for this variant (Variation ID: 476678). Invitae Evidence Modeling of protein sequence and biophysical properties (such as structural, functional, and spatial information, amino acid conservation, physicochemical variation, residue mobility, and thermodynamic stability) indicates that this missense variant is not expected to disrupt WT1 protein function with a negative predictive value of 80%. In summary, the available evidence is currently insufficient to determine the role of this variant in disease. Therefore, it has been classified as a Variant of Uncertain Significance.

Color Diagnostics, LLC DBA Color Health
Classification: Benign for Wilms tumor 1. Last evaluated: 2025-07-09. Review status: criteria provided, single submitter. Criteria: ACMG Guidelines, 2015. Collection method: clinical testing. Allele origin: germline.

Ambry Genetics
Classification: Likely benign for Inborn genetic diseases. Last evaluated: 2024-08-21. Review status: criteria provided, single submitter. Criteria: Ambry Variant Classification Scheme 2023. Collection method: clinical testing. Allele origin: germline.

All of Us Research Program, National Institutes of Health
Classification: Uncertain significance for Wilms tumor 1. Last evaluated: 2023-10-30. Review status: criteria provided, single submitter. Criteria: ACMG Guidelines, 2015. Collection method: clinical testing. Allele origin: germline. Inheritance: Autosomal dominant inheritance. Observed: 3 variant alleles, 3 heterozygotes.
Comment: This missense variant replaces valine with methionine at codon 368 of the WT1 protein. Computational prediction suggests that this variant may not impact protein structure and function (internally defined REVEL score threshold <= 0.5, PMID: 27666373). To our knowledge, functional studies have not been reported for this variant. This variant has not been reported in individuals affected with WT1-related disorders in the literature. This variant has been identified in 6/282506 chromosomes in the general population by the Genome Aggregation Database (gnomAD). The available evidence is insufficient to determine the role of this variant in disease conclusively. Therefore, this variant is classified as a Variant of Uncertain Significance.

This study involves interpretation of variants in research participants for the purpose of population health screening. Participant phenotype was not available at the time of variant classification. Additional details can be found in publication PMID: 35346344, PMCID: PMC8962531

Blueprint Genetics
Classification: Uncertain significance. Last evaluated: 2023-07-31. Review status: criteria provided, single submitter. Criteria: ACMG Guidelines, 2015. Collection method: clinical testing. Allele origin: germline.

GeneDx
Classification: Uncertain significance. Last evaluated: 2022-06-03. Review status: criteria provided, single submitter. Criteria: GeneDx Variant Classification Process June 2021. Collection method: clinical testing. Allele origin: germline. Affected: yes.
Comment: In silico analysis supports that this missense variant has a deleterious effect on protein structure/function; Has not been previously published as pathogenic or benign to our knowledge; This variant is associated with the following publications: (PMID: 17361230)

Neuberg Centre For Genomic Medicine, NCGM
Classification: Uncertain significance for Nephrotic syndrome, type 4. Review status: criteria provided, single submitter. Criteria: ACMG Guidelines, 2015. Collection method: clinical testing. Allele origin: germline. Inheritance: Autosomal dominant inheritance. Affected: yes.
Comment: The missense variant p.V373M in WT1 (NM_024426.6) has not been reported previously as a pathogenic variant nor as a benign variant, to our knowledge. There is a small physicochemical difference between valine and methionine, which is not likely to impact secondary protein structure as these residues share similar properties. The p.Val373Met variant is novel (not in any individuals) in 1000 Genomes. The variant is predicted to be damaging by both SIFT and PolyPhen2. The residue is conserved across species. The amino acid change p.Val373Met in WT1 is predicted as conserved by GERP++ and PhyloP across 100 vertebrates. For these reasons, this variant has been classified as Uncertain Significance.